The following is an entry in ClinVar:

NM_018718.3(CEP41):c.*3887C>G

Gene: CEP41 (centrosomal protein 41; minus strand). Cytogenetic location: 7q32.2.
Variant type: single nucleotide variant.
Coding change: c.*3887C>G on transcript NM_018718.3 (MANE Select); 3887 bases downstream of the stop codon, C replaced by G.
Molecular consequence: 3 prime UTR variant. On other transcripts: non-coding transcript variant (1).
Genome position (GRCh38, 1-based): chr7:130,395,004, G>C on the plus strand (C>G on the coding strand, the complement: CEP41 is on the minus strand). VCF-style: chr7-130395004-G-C. GRCh37 (hg19) VCF-style: chr7-130034845-G-C.
Other names: c.*3887C>G (NM_001257158.2, NM_001257159.2).
Identifiers: ClinVar variation 358902 (VCV000358902.6), dbSNP rs62471754, ClinGen allele CA4485151.

ClinVar aggregate classification (germline): Benign. Review status: criteria provided, multiple submitters, no conflicts (2 of 4 stars). 2 submissions from 2 submitters: Benign (2). Last evaluated 2018-01-13.

Conditions:
Joubert syndrome 15 (JBTS15). Identifiers: Orphanet 475, MedGen C3280897, MONDO:0013763, OMIM 614464.

Allele frequency attached by ClinVar (database versions not stated): TOPMed 0.10791; gnomAD 0.11370; 1000 Genomes Project 30x 0.12680; 1000 Genomes Project 0.12839; ExAC 0.14864.
gnomAD v4.1: 57,270 of 453,986 alleles (13%); highest among the groups gnomAD compares: South Asian, 17%; 3,956 homozygotes.

Submissions (2):

Illumina Laboratory Services, Illumina
Classification: Benign for Joubert syndrome 15. Last evaluated: 2018-01-13. Review status: criteria provided, single submitter. Criteria: ICSL Variant Classification Criteria 13 December 2019. Collection method: clinical testing. Allele origin: germline.
Comment: This variant was observed in the ICSL laboratory as part of a predisposition screen in an ostensibly healthy population. It had not been previously curated by ICSL or reported in the Human Gene Mutation Database (HGMD: prior to June 1st, 2018), and was therefore a candidate for classification through an automated scoring system. Utilizing variant allele frequency, disease prevalence and penetrance estimates, and inheritance mode, an automated score was calculated to assess if this variant is too frequent to cause the disease. Based on the score and internal cut-off values, a variant classified as benign is not then subjected to further curation. The score for this variant resulted in a classification of benign for this disease.

Breakthrough Genomics
Classification: Benign. Review status: criteria provided, single submitter. Criteria: ACMG Guidelines, 2015. Collection method: not provided. Allele origin: germline. Inheritance: Autosomal recessive inheritance. Affected: yes.